The following is an entry in ClinVar:

NM_000465.4(BARD1):c.2124G>A (p.Lys708=)

Gene: BARD1 (BRCA1 associated RING domain 1; minus strand). Cytogenetic location: 2q35.
Variant type: single nucleotide variant.
Coding change: c.2124G>A on transcript NM_000465.4 (MANE Select); coding-DNA position 2124, G replaced by A.
Protein change: p.Lys708=; no amino-acid change (lysine 708 retained).
Molecular consequence: synonymous variant. On other transcripts: non-coding transcript variant (3).
Genome position (GRCh38, 1-based): chr2:214,728,886, C>T on the plus strand (G>A on the coding strand, the complement: BARD1 is on the minus strand). VCF-style: chr2-214728886-C-T. GRCh37 (hg19) VCF-style: chr2-215593610-C-T.
Other names: c.2067G>A, p.Lys689= (NM_001282543.2); c.771G>A, p.Lys257= (NM_001282545.2); c.714G>A, p.Lys238= (NM_001282548.2); c.585G>A, p.Lys195= (NM_001282549.2).
Identifiers: ClinVar variation 1786296 (VCV001786296.3), dbSNP rs2105987336, ClinGen allele CA431393632.

ClinVar aggregate classification (germline): Benign/Likely benign. Review status: criteria provided, multiple submitters, no conflicts (2 of 4 stars). 2 submissions from 2 submitters: Benign (1); Likely benign (1). Last evaluated 2024-07-29.

Conditions:
Familial cancer of breast. Also called: BREAST CANCER, FAMILIAL; Hereditary breast cancer; hereditary breast carcinoma. Identifiers: Orphanet 227535, MedGen C0346153, MONDO:0016419, OMIM 114480. Disease mechanism: loss of function.
Hereditary cancer-predisposing syndrome. Also called: Neoplastic Syndromes, Hereditary; Tumor predisposition; Hereditary Cancer Syndrome; Hereditary neoplastic syndrome. Identifiers: Orphanet 140162, MedGen C0027672, MeSH D009386, MONDO:0015356.

Submissions (2):

Myriad Genetics, Inc.
Classification: Benign for Familial cancer of breast. Last evaluated: 2024-07-29. Review status: criteria provided, single submitter. Criteria: Myriad Autosomal Dominant, Autosomal Recessive and X-Linked Classification Criteria (2023). Collection method: clinical testing. Allele origin: unknown.
Comment: This variant is considered benign. This variant is a silent/synonymous amino acid change and it is not expected to impact splicing.

Ambry Genetics
Classification: Likely benign for Hereditary cancer-predisposing syndrome. Last evaluated: 2020-12-31. Review status: criteria provided, single submitter. Criteria: Ambry Variant Classification Scheme 2023. Collection method: clinical testing. Allele origin: germline.